The following is an entry in ClinVar:

NM_020207.7(ERCC6L2):c.392C>T (p.Thr131Ile)

Gene: ERCC6L2 (ERCC excision repair 6 like 2; plus strand). Cytogenetic location: 9q22.32.
Variant type: single nucleotide variant.
Coding change: c.392C>T on transcript NM_020207.7 (MANE Select); coding-DNA position 392, C replaced by T.
Protein change: p.Thr131Ile; replaces threonine 131 with isoleucine.
Molecular consequence: missense variant. On other transcripts: non-coding transcript variant (1).
Genome position (GRCh38, 1-based): chr9:95,881,214, C>T. VCF-style: chr9-95881214-C-T. GRCh37 (hg19) VCF-style: chr9-98643496-C-T.
Other names: c.392C>T, p.Thr131Ile (NM_001010895.4, NM_001375291.1, NM_001375292.1 and 2 more transcripts); short protein forms T131I.
Identifiers: ClinVar variation 4019260 (VCV004019260.1).

ClinVar aggregate classification (germline): Uncertain significance (1 of 4 stars; one submission).

Conditions:
Inborn genetic diseases. Identifiers: MedGen C0950123, MeSH D030342.

Submission:

Ambry Genetics
Classification: Uncertain significance for Inborn genetic diseases. Last evaluated: 2025-03-24. Review status: criteria provided, single submitter. Criteria: Ambry Variant Classification Scheme 2023. Collection method: clinical testing. Allele origin: germline.
Comment: The p.T131I variant (also known as c.392C>T), located in coding exon 2 of the ERCC6L2 gene, results from a C to T substitution at nucleotide position 392. The threonine at codon 131 is replaced by isoleucine, an amino acid with similar properties. This amino acid position is conserved. In addition, this alteration is predicted to be tolerated by in silico analysis. Based on the available evidence, the clinical significance of this variant remains unclear.